The following is an entry in ClinVar:

ClinVar aggregate classification (germline): Uncertain significance (1 of 4 stars; one submission).

gnomAD v4.1: 1 of 1,531,604 alleles (0.000065%); highest among the groups gnomAD compares: Non-Finnish European, 0.000088%; no homozygotes.

Submission:

GeneDx
Classification: Uncertain significance. Last evaluated: 2026-03-05. Review status: criteria provided, single submitter. Criteria: GeneDx Variant Classification Process June 2021. Collection method: clinical testing. Allele origin: germline.
Comment: Not observed at significant frequency in large population cohorts (gnomAD); In silico analysis supports that this missense variant has a deleterious effect on protein structure/function; Has not been previously published as pathogenic or benign to our knowledge

NM_001367479.1(DNAH14):c.7408C>T (p.Arg2470Trp)

Gene: DNAH14 (dynein axonemal heavy chain 14; plus strand). Cytogenetic location: 1q42.12.
Variant type: single nucleotide variant.
Coding change: c.7408C>T on transcript NM_001367479.1 (MANE Select); coding-DNA position 7408, C replaced by T.
Protein change: p.Arg2470Trp; replaces arginine 2470 with tryptophan.
Molecular consequence: missense variant.
Genome position (GRCh38, 1-based): chr1:225,265,367, C>T. VCF-style: chr1-225265367-C-T. GRCh37 (hg19) VCF-style: chr1-225453069-C-T.
Other names: NM_001373.1:c.7390C>T; short protein forms R2470W.
Identifiers: ClinVar variation 5007942 (VCV005007942.1).